The following is an entry in ClinVar:

NM_001253697.2(ERBIN):c.1076C>G (p.Thr359Arg)

Gene: ERBIN (erbb2 interacting protein; plus strand). Cytogenetic location: 5q12.3.
Variant type: single nucleotide variant.
Coding change: c.1076C>G on transcript NM_001253697.2 (MANE Select); coding-DNA position 1076, C replaced by G.
Protein change: p.Thr359Arg; replaces threonine 359 with arginine.
Molecular consequence: missense variant.
Genome position (GRCh38, 1-based): chr5:66,026,357, C>G. VCF-style: chr5-66026357-C-G. GRCh37 (hg19) VCF-style: chr5-65322185-C-G.
Other names: c.1076C>G, p.Thr359Arg (NM_001006600.3, NM_001253698.2, NM_001253699.2 and 2 more transcripts); short protein forms T359R.
Identifiers: ClinVar variation 2898200 (VCV002898200.3), dbSNP rs139347468, ClinGen allele CA3286152.
Genomic context (GRCh38, chr5:66,026,357, plus strand): 5'-TTCAGATTGGAAGCTGGAAAAATATAACTGTGCTGTTTCTCCATTCCAATAAACTTGAGA[C>G]ACTTCCAGAGGAAATGGGTGATATGCAAAAATTAAAAGTCATTAATTTAAGTGATAATAG-3'
Protein context (NP_001240626.1, residues 349-369): VLFLHSNKLE[Thr359Arg]LPEEMGDMQK

ClinVar aggregate classification (germline): Uncertain significance (1 of 4 stars; one submission).

Allele frequency attached by ClinVar (database versions not stated): gnomAD exomes 0.00001; ExAC 0.00003; gnomAD 0.00007; TOPMed 0.00015; ESP Exome Variant Server 0.00023.
gnomAD v4.1: 19 of 1,600,472 alleles (0.0012%); highest among the groups gnomAD compares: African/African-American, 0.024%; no homozygotes.

Submission:

Labcorp Genetics (formerly Invitae), Labcorp
Classification: Uncertain significance. Last evaluated: 2023-11-04. Review status: criteria provided, single submitter. Criteria: Invitae Variant Classification Sherloc (09022015). Collection method: clinical testing. Allele origin: germline.
Comment: This sequence change replaces threonine, which is neutral and polar, with arginine, which is basic and polar, at codon 359 of the ERBIN protein (p.Thr359Arg). This variant is present in population databases (rs139347468, gnomAD 0.05%). This variant has not been reported in the literature in individuals affected with ERBIN-related conditions. An algorithm developed to predict the effect of missense changes on protein structure and function (PolyPhen-2) suggests that this variant is likely to be disruptive. In summary, the available evidence is currently insufficient to determine the role of this variant in disease. Therefore, it has been classified as a Variant of Uncertain Significance.